The following is an entry in ClinVar:

ClinVar aggregate classification (germline): Uncertain significance (1 of 4 stars; one submission).

Conditions:
Intellectual developmental disorder, autosomal dominant 1. Also called: Intellectual disability, autosomal dominant 1; MBD5 Haploinsufficiency. Identifiers: Orphanet 228402, MedGen C1969562, MONDO:0007974, OMIM 156200.

gnomAD v4.1: 1 of 1,614,216 alleles (0.000062%); highest among the groups gnomAD compares: Non-Finnish European, 0.000085%; no homozygotes.

Submission:

Labcorp Genetics (formerly Invitae), Labcorp
Classification: Uncertain significance for Intellectual developmental disorder, autosomal dominant 1. Last evaluated: 2025-07-30. Review status: criteria provided, single submitter. Criteria: Invitae Variant Classification Sherloc (09022015). Collection method: clinical testing. Allele origin: germline.
Comment: This sequence change replaces serine, which is neutral and polar, with glycine, which is neutral and non-polar, at codon 1298 of the MBD5 protein (p.Ser1298Gly). This variant is not present in population databases (gnomAD no frequency). This variant has not been reported in the literature in individuals affected with MBD5-related conditions. ClinVar contains an entry for this variant (Variation ID: 951191). Experimental studies and prediction algorithms are not available or were not evaluated, and the functional significance of this variant is currently unknown. In summary, the available evidence is currently insufficient to determine the role of this variant in disease. Therefore, it has been classified as a Variant of Uncertain Significance.

NM_001378120.1(MBD5):c.4591A>G (p.Ser1531Gly)

Gene: MBD5 (methyl-CpG binding domain protein 5; plus strand). Cytogenetic location: 2q23.1.
Variant type: single nucleotide variant.
Coding change: c.4591A>G on transcript NM_001378120.1 (MANE Select); coding-DNA position 4591, A replaced by G.
Protein change: p.Ser1531Gly; replaces serine 1531 with glycine.
Molecular consequence: missense variant.
Genome position (GRCh38, 1-based): chr2:148,490,223, A>G. VCF-style: chr2-148490223-A-G. GRCh37 (hg19) VCF-style: chr2-149247792-A-G.
Other names: c.3892A>G, p.Ser1298Gly (NM_018328.5); short protein forms S1298G, S1531G.
Identifiers: ClinVar variation 951191 (VCV000951191.10), dbSNP rs781154198, ClinGen allele CA57597218.
Genomic context (GRCh38, chr2:148,490,223, plus strand): 5'-GAGAGACTAGAGAACACTGTGGAAAGATGTGCACACATAAATGGGAATAGACCTCGACAG[A>G]GTCGGGGATTTGGAGAGCTGCTAAGCACTGCAAAGCAAGACCTGGTCCTAGAGGAGCAGT-3'
Protein context (NP_001365049.1, residues 1521-1541): AHINGNRPRQ[Ser1531Gly]RGFGELLSTA